The following is an entry in ClinVar:

ClinVar aggregate classification (germline): Pathogenic/Likely pathogenic. Review status: criteria provided, multiple submitters, no conflicts (2 of 4 stars). 4 submissions from 4 submitters: Pathogenic (2); Likely pathogenic (2). Last evaluated 2026-03-24.

Conditions:
Bloom syndrome (BLM). Also called: Bloom-Torre-Machacek syndrome. Identifiers: Orphanet 125, MedGen C0005859, MONDO:0008876, OMIM 210900.

gnomAD v4.1: 4 of 1,614,042 alleles (0.00025%); highest among the groups gnomAD compares: Non-Finnish European, 0.00017%; no homozygotes.

Submissions (4):

Myriad Genetics, Inc.
Classification: Pathogenic for Bloom syndrome. Last evaluated: 2026-03-24. Review status: criteria provided, single submitter. Criteria: Myriad Autosomal Dominant, Autosomal Recessive and X-Linked Classification Criteria (2023). Collection method: clinical testing. Allele origin: unknown.
Comment: NM_000057.3(BLM):c.3646A>T(K1216*) is a nonsense variant classified as pathogenic in the context of Bloom syndrome. K1216* has not been observed in cases with relevant disease. Relevant functional assessments of this variant are not available in the literature. K1216* has not been observed in referenced population frequency databases. In summary, NM_000057.3(BLM):c.3646A>T(K1216*) is a nonsense variant in a gene where loss of function is a known mechanism of disease and is predicted to disrupt protein function. Please note: this variant was assessed in the context of healthy population screening.

Natera, Inc.
Classification: Likely pathogenic for Bloom syndrome. Last evaluated: 2025-07-27. Review status: criteria provided, single submitter. Criteria: Natera Variant Classification Schema (03/2026). Collection method: clinical testing. Allele origin: germline.
Comment: The c.3646A>T variant in BLM is a nonsense variant predicted to introduce a stop codon at amino acid 1216. This variant is expected to result in nonsense mediated decay, truncation, or a dysfunctional protein product. This variant is rare in the general population with a frequency below the threshold expected for the associated phenotype(s). Given the available evidence, this variant is classified as Likely Pathogenic.

Labcorp Genetics (formerly Invitae), Labcorp
Classification: Pathogenic for Bloom syndrome. Last evaluated: 2023-10-20. Review status: criteria provided, single submitter. Criteria: Invitae Variant Classification Sherloc (09022015). Collection method: clinical testing. Allele origin: germline.
Comment: This sequence change creates a premature translational stop signal (p.Lys1216*) in the BLM gene. It is expected to result in an absent or disrupted protein product. Loss-of-function variants in BLM are known to be pathogenic (PMID: 17407155). This variant is not present in population databases (gnomAD no frequency). This variant has not been reported in the literature in individuals affected with BLM-related conditions. ClinVar contains an entry for this variant (Variation ID: 1069740). Algorithms developed to predict the effect of sequence changes on RNA splicing suggest that this variant may disrupt the consensus splice site. For these reasons, this variant has been classified as Pathogenic.

Quest Diagnostics Nichols Institute San Juan Capistrano
Classification: Likely pathogenic. Last evaluated: 2023-05-24. Review status: criteria provided, single submitter. Criteria: Quest Diagnostics criteria. Collection method: clinical testing. Allele origin: unknown.
Comment: The BLM c.3646A>T (p.Lys1216*) variant is predicted to cause the premature termination of BLM protein synthesis. This variant has not been reported in individuals with BLM-related conditions in the published literature. This variant has not been reported in large, multi-ethnic general populations (Genome Aggregation Database). Based on the available information, this variant is classified as likely pathogenic.

Literature cited by the submitters: PubMed 17407155 (cited by Labcorp Genetics (formerly Invitae), Labcorp).

NM_000057.4(BLM):c.3646A>T (p.Lys1216Ter)

Gene: BLM (BLM RecQ like helicase; plus strand). Cytogenetic location: 15q26.1.
Variant type: single nucleotide variant.
Coding change: c.3646A>T on transcript NM_000057.4 (MANE Select); coding-DNA position 3646, A replaced by T.
Protein change: p.Lys1216Ter; replaces lysine 1216 with a stop codon.
Molecular consequence: nonsense. On other transcripts: intron variant (1).
Genome position (GRCh38, 1-based): chr15:90,804,254, A>T. VCF-style: chr15-90804254-A-T. GRCh37 (hg19) VCF-style: chr15-91347484-A-T.
Other names: c.3646A>T (NM_000057.3); c.3646A>T, p.Lys1216Ter (NM_001287246.2); c.2521A>T, p.Lys841Ter (NM_001287248.2); c.3359-4883A>T (NM_001287247.2); short protein forms K1216*, K841*.
Identifiers: ClinVar variation 1069740 (VCV001069740.11), dbSNP rs2151194897, ClinGen allele CA393848077.